The following is an entry in ClinVar:

ClinVar aggregate classification (germline): Uncertain significance (1 of 4 stars; one submission).

gnomAD v4.1: 1 of 1,602,400 alleles (0.000062%); highest among the groups gnomAD compares: Non-Finnish European, 0.000085%; no homozygotes.

Submission:

GeneDx
Classification: Uncertain significance. Last evaluated: 2024-06-23. Review status: criteria provided, single submitter. Criteria: GeneDx Variant Classification Process June 2021. Collection method: clinical testing. Allele origin: germline. Affected: yes.
Comment: Not observed at significant frequency in large population cohorts (gnomAD); In silico analysis supports that this missense variant has a deleterious effect on protein structure/function; Has not been previously published as pathogenic or benign to our knowledge

NM_173689.7(CRB2):c.159C>G (p.Cys53Trp)

Gene: CRB2 (crumbs cell polarity complex component 2; plus strand). Cytogenetic location: 9q33.3.
Variant type: single nucleotide variant.
Coding change: c.159C>G on transcript NM_173689.7 (MANE Select); coding-DNA position 159, C replaced by G.
Protein change: p.Cys53Trp; replaces cysteine 53 with tryptophan.
Molecular consequence: missense variant.
Genome position (GRCh38, 1-based): chr9:123,362,929, C>G. VCF-style: chr9-123362929-C-G. GRCh37 (hg19) VCF-style: chr9-126125208-C-G.
Other names: short protein forms C53W.
Identifiers: ClinVar variation 3392698 (VCV003392698.1).